The following is an entry in ClinVar:

NM_001267550.2(TTN):c.78588_78624dup (p.Glu26209fs)

Genes: TTN (titin; minus strand), TTN-AS1 (TTN antisense RNA 1; plus strand). Cytogenetic location: 2q31.2.
Variant type: Duplication.
Coding change: c.78588_78624dup on transcript NM_001267550.2 (MANE Select); coding-DNA positions 78588 to 78624, 37 bases duplicated.
Protein change: p.Glu26209fs; shifts the reading frame from glutamic acid 26209.
Molecular consequence: frameshift variant.
Genome position (GRCh38, 1-based): chr2:178,567,508-178,567,544, 37 bases duplicated; duplicating any 37 consecutive bases within chr2:178,567,508-178,567,548 gives the same sequence; the c. name uses the placement nearest the transcript's 3' end. GRCh37 (hg19): chr2:179,432,239-179,432,275.
Other names: c.73665_73701dup, p.Glu24568fs (NM_001256850.1); c.51393_51429dup, p.Glu17144fs (NM_003319.4); c.70884_70920dup, p.Glu23641fs (NM_133378.4); c.51768_51804dup, p.Glu17269fs (NM_133432.3); c.51969_52005dup, p.Glu17336fs (NM_133437.4); c.51393_51429dupTCCAAAATTCAGAGACACAATTGTGGTAAATGCTGGA (NM_003319.4); short protein forms E17269fs, E17336fs, E24568fs, E17144fs, E23641fs, E26209fs.
Identifiers: ClinVar variation 915818 (VCV000915818.5), dbSNP rs1706342425, ClinGen allele CA1139657389.

ClinVar aggregate classification (germline): Likely pathogenic. Review status: criteria provided, multiple submitters, no conflicts (2 of 4 stars). 2 submissions from 2 submitters: Likely pathogenic (2). Last evaluated 2023-02-10.

Conditions:
Cardiovascular phenotype. Identifiers: MedGen CN230736.
Cardiomyopathy (CMYO). Also called: Cardiomyopathies. Identifiers: Orphanet 167848, MedGen C0878544, MONDO:0004994, HP:0001638. Inheritance: Various modes of inheritance.

Submissions (2):

Ambry Genetics
Classification: Likely pathogenic for Cardiovascular phenotype. Last evaluated: 2023-02-10. Review status: criteria provided, single submitter. Criteria: Ambry Variant Classification Scheme 2023. Collection method: clinical testing. Allele origin: germline.
Comment: The c.51393_51429dup37 variant, located in coding exon 153 of the TTN gene, results from a duplication of TCCAAAATTCAGAGACACAATTGTGGTAAATGCTGGA at nucleotide position 51393, causing a translational frameshift with a predicted alternate stop codon (p.E17144Sfs*18). This variant is considered to be rare based on population cohorts in the Genome Aggregation Database (gnomAD). This exon is located in the A-band region of the N2-B isoform of the titin protein and is constitutively expressed in TTN transcripts (percent spliced in or PSI 100%). This alteration is expected to result in loss of function by premature protein truncation or nonsense-mediated mRNA decay. While truncating variants in TTN are present in 1-3% of the general population, truncating variants in the A-band are the most common cause of dilated cardiomyopathy (DCM) (Herman DS et al. N. Engl. J. Med., 2012 Feb;366:619-28; Roberts AM et al. Sci Transl Med, 2015 Jan;7:270ra6). TTN truncating variants encoded in constitutive exons (PSI >90%) have been found to be significantly associated with DCM regardless of their position in titin (Schafer S et al. Nat. Genet., 2017 01;49:46-53). Based on the majority of available evidence to date, this variant is likely to be pathogenic.

CHEO Genetics Diagnostic Laboratory, Children's Hospital of Eastern Ontario
Classification: Likely pathogenic for Cardiomyopathy. Last evaluated: 2020-01-21. Review status: criteria provided, single submitter. Criteria: ACMG Guidelines, 2015. Collection method: clinical testing. Allele origin: germline.